The following is an entry in ClinVar:

ClinVar aggregate classification (germline): Likely benign (1 of 4 stars; one submission).

Conditions:
SCYL1-related disorder. Also called: SCYL1-related condition.

gnomAD v4.1: 30 of 1,585,992 alleles (0.0019%); highest among the groups gnomAD compares: Non-Finnish European, 0.0023%; no homozygotes.

Submission:

PreventionGenetics, part of Exact Sciences
Classification: Likely benign for SCYL1-related condition. Last evaluated: 2026-02-13. Review status: criteria provided, single submitter. Criteria: ACMG Guidelines, 2015. Collection method: clinical testing. Allele origin: germline.
Comment: This variant is classified as likely benign based on ACMG/AMP sequence variant interpretation guidelines (Richards et al. 2015 PMID: 25741868, with internal and published modifications).

NM_020680.4(SCYL1):c.2238C>T (p.Pro746=)

Gene: SCYL1 (SCY1 like pseudokinase 1; plus strand). Cytogenetic location: 11q13.1.
Variant type: single nucleotide variant.
Coding change: c.2238C>T on transcript NM_020680.4 (MANE Select); coding-DNA position 2238, C replaced by T.
Protein change: p.Pro746=; no amino-acid change (proline 746 retained).
Molecular consequence: synonymous variant. On other transcripts: missense variant (3), intron variant (3).
Genome position (GRCh38, 1-based): chr11:65,538,173, C>T. VCF-style: chr11-65538173-C-T. GRCh37 (hg19) VCF-style: chr11-65305644-C-T.
Other names: c.2187C>T, p.Pro729= (NM_001048218.2, NM_001425194.1, NM_001425198.1); c.2235C>T, p.Pro745= (NM_001411022.1, NM_001425179.1, NM_001425180.1 and 2 more transcripts); c.2232C>T, p.Pro744= (NM_001425182.1); c.2184C>T, p.Pro728= (NM_001425183.1, NM_001425184.1, NM_001425195.1); c.2201C>T, p.Pro734Leu (NM_001425185.1); c.2198C>T, p.Pro733Leu (NM_001425186.1); c.2160C>T, p.Pro720= (NM_001425187.1); c.2238C>T, p.Pro746= (NM_001425188.1, NM_001425196.1); and 16 more; short protein forms P717L, P734L, P733L.
Identifiers: ClinVar variation 4987737 (VCV004987737.1).